The following is an entry in ClinVar:

ClinVar aggregate classification (germline): Uncertain significance (1 of 4 stars; one submission).

Conditions:
Inborn genetic diseases. Identifiers: MedGen C0950123, MeSH D030342.

Submission:

Ambry Genetics
Classification: Uncertain significance for Inborn genetic diseases. Last evaluated: 2026-07-26. Review status: criteria provided, single submitter. Criteria: Ambry Variant Classification Scheme 2023. Collection method: clinical testing. Allele origin: germline.
Comment: The p.K298R variant (also known as c.893A>G), located in coding exon 6 of the MECOM gene, results from an A to G substitution at nucleotide position 893. The lysine at codon 298 is replaced by arginine, an amino acid with highly similar properties. This amino acid position is conserved. In addition, the in silico prediction for this alteration is inconclusive. Based on the available evidence, the clinical significance of this variant remains unclear.

NM_004991.4(MECOM):c.893A>G (p.Lys298Arg)

Gene: MECOM (MDS1 and EVI1 complex locus; minus strand). Cytogenetic location: 3q26.2.
Variant type: single nucleotide variant.
Coding change: c.893A>G on transcript NM_004991.4 (MANE Select); coding-DNA position 893, A replaced by G.
Protein change: p.Lys298Arg; replaces lysine 298 with arginine.
Molecular consequence: missense variant.
Genome position (GRCh38, 1-based): chr3:169,122,665, T>C on the plus strand (A>G on the coding strand, the complement: MECOM is on the minus strand). VCF-style: chr3-169122665-T-C. GRCh37 (hg19) VCF-style: chr3-168840453-T-C.
Other names: c.521A>G, p.Lys174Arg (NM_001105077.4); c.329A>G, p.Lys110Arg (NM_001105078.4, NM_001163999.2, NM_001164000.2 and 9 more transcripts); c.893A>G, p.Lys298Arg (NM_001366466.2, NM_001366473.2); short protein forms K298R, K174R, K110R.
Identifiers: ClinVar variation 5024156 (VCV005024156.1).